The following is an entry in ClinVar:

NM_001023.4(RPS20):c.104-19G>C

Gene: RPS20 (ribosomal protein S20; minus strand). Cytogenetic location: 8q12.1.
Variant type: single nucleotide variant.
Coding change: c.104-19G>C on transcript NM_001023.4 (MANE Select); 19 bases into the intron before coding-DNA position 104, G replaced by C.
Molecular consequence: intron variant.
Genome position (GRCh38, 1-based): chr8:56,073,787, C>G on the plus strand (G>C on the coding strand, the complement: RPS20 is on the minus strand). VCF-style: chr8-56073787-C-G. GRCh37 (hg19) VCF-style: chr8-56986346-C-G.
Other names: c.104-19G>C (NM_001146227.3).
Identifiers: ClinVar variation 5042314 (VCV005042314.1).

ClinVar aggregate classification (germline): Likely benign (1 of 4 stars; one submission).

Conditions:
Familial colorectal cancer type X. Identifiers: Orphanet 440437, MedGen C3896578, MONDO:0018604.

Submission:

Myriad Genetics, Inc.
Classification: Likely benign for Familial colorectal cancer type X. Last evaluated: 2026-07-31. Review status: criteria provided, single submitter. Criteria: Myriad Autosomal Dominant, Autosomal Recessive and X-Linked Classification Criteria (2023). Collection method: clinical testing. Allele origin: unknown.
Comment: This variant is considered likely benign. This variant is intronic and is not expected to impact mRNA splicing.